The following is an entry in ClinVar:

NM_020884.7(MYH7B):c.2776G>A (p.Val926Met)

Gene: MYH7B (myosin heavy chain 7B; plus strand). Cytogenetic location: 20q11.22.
Variant type: single nucleotide variant.
Coding change: c.2776G>A on transcript NM_020884.7 (MANE Select); coding-DNA position 2776, G replaced by A.
Protein change: p.Val926Met; replaces valine 926 with methionine.
Molecular consequence: missense variant.
Genome position (GRCh38, 1-based): chr20:34,995,411, G>A. VCF-style: chr20-34995411-G-A. GRCh37 (hg19) VCF-style: chr20-33583214-G-A.
Other names: short protein forms V926M.
Identifiers: ClinVar variation 4740386 (VCV004740386.1).

ClinVar aggregate classification (germline): Uncertain significance (1 of 4 stars; one submission).

gnomAD v4.1: 10 of 1,614,010 alleles (0.00062%); highest among the groups gnomAD compares: South Asian, 0.0099%; no homozygotes.

Submission:

Labcorp Genetics (formerly Invitae), Labcorp
Classification: Uncertain significance. Last evaluated: 2025-12-17. Review status: criteria provided, single submitter. Criteria: Invitae Variant Classification Sherloc (09022015). Collection method: clinical testing. Allele origin: germline.
Comment: This sequence change replaces valine, which is neutral and non-polar, with methionine, which is neutral and non-polar, at codon 968 of the MYH7B protein (p.Val968Met). This variant is present in population databases (rs201039299, gnomAD 0.02%). This variant has not been reported in the literature in individuals affected with MYH7B-related conditions. Invitae Evidence Modeling of protein sequence and biophysical properties (such as structural, functional, and spatial information, amino acid conservation, physicochemical variation, residue mobility, and thermodynamic stability) indicates that this missense variant is not expected to disrupt MYH7B protein function with a negative predictive value of 80%. In summary, the available evidence is currently insufficient to determine the role of this variant in disease. Therefore, it has been classified as a Variant of Uncertain Significance.